The following is an entry in ClinVar:

NM_001060.6(TBXA2R):c.962C>G (p.Pro321Arg)

Gene: TBXA2R (thromboxane A2 receptor; minus strand). Cytogenetic location: 19p13.3.
Variant type: single nucleotide variant.
Coding change: c.962C>G on transcript NM_001060.6 (MANE Select); coding-DNA position 962, C replaced by G.
Protein change: p.Pro321Arg; replaces proline 321 with arginine.
Molecular consequence: missense variant.
Genome position (GRCh38, 1-based): chr19:3,595,758, G>C on the plus strand (C>G on the coding strand, the complement: TBXA2R is on the minus strand). VCF-style: chr19-3595758-G-C. GRCh37 (hg19) VCF-style: chr19-3595756-G-C.
Other names: c.962C>G, p.Pro321Arg (NM_201636.3); short protein forms P321R.
Identifiers: ClinVar variation 4779738 (VCV004779738.1).

ClinVar aggregate classification (germline): Uncertain significance (1 of 4 stars; one submission).

Submission:

Labcorp Genetics (formerly Invitae), Labcorp
Classification: Uncertain significance. Last evaluated: 2025-11-13. Review status: criteria provided, single submitter. Criteria: Invitae Variant Classification Sherloc (09022015). Collection method: clinical testing. Allele origin: germline.
Comment: This sequence change replaces proline, which is neutral and non-polar, with arginine, which is basic and polar, at codon 321 of the TBXA2R protein (p.Pro321Arg). This variant is not present in population databases (gnomAD no frequency). This variant has not been reported in the literature in individuals affected with TBXA2R-related conditions. Invitae Evidence Modeling of protein sequence and biophysical properties (such as structural, functional, and spatial information, amino acid conservation, physicochemical variation, residue mobility, and thermodynamic stability) indicates that this missense variant is not expected to disrupt TBXA2R protein function with a negative predictive value of 80%. In summary, the available evidence is currently insufficient to determine the role of this variant in disease. Therefore, it has been classified as a Variant of Uncertain Significance.